The following is an entry in ClinVar:

ClinVar aggregate classification (germline): Likely pathogenic (1 of 4 stars; one submission).

Conditions:
Autosomal recessive cerebellar ataxia-saccadic intrusion syndrome. Also called: SPINOCEREBELLAR ATAXIA 24; VPS13D Movement Disorder. Identifiers: Orphanet 95434, MedGen C1846492, MONDO:0011811, OMIM 607317.

Submission:

Women's Health and Genetics/Laboratory Corporation of America, LabCorp
Classification: Likely pathogenic for Autosomal recessive cerebellar ataxia-saccadic intrusion syndrome. Last evaluated: 2025-10-17. Review status: criteria provided, single submitter. Criteria: LabCorp Variant Classification Summary - May 2015. Collection method: clinical testing. Allele origin: germline.
Comment: Variant summary: VPS13D c.1212+1G>C is located in a canonical splice-site and is predicted to affect mRNA splicing resulting in a significantly altered protein due to either exon skipping, shortening, or inclusion of intronic material. Variants that disrupt the consensus splice site are a relatively common cause of aberrant splicing and loss of VPS13D function. Several computational tools predict a significant impact on normal splicing: Four predict the variant abolishes a canonical 5' splicing donor site. However, these predictions have yet to be confirmed by functional studies. The variant was absent in 251104 control chromosomes. To our knowledge, no occurrence of c.1212+1G>C in individuals affected with VPS13D-related conditions and no experimental evidence demonstrating its impact on protein function have been reported. No submitters have cited clinical-significance assessments for this variant to ClinVar. Based on the evidence outlined above, the variant was classified as likely pathogenic.

NM_015378.4(VPS13D):c.1212+1G>C

Gene: VPS13D (vacuolar protein sorting 13 homolog D; plus strand). Cytogenetic location: 1p36.22.
Variant type: single nucleotide variant.
Coding change: c.1212+1G>C on transcript NM_015378.4 (MANE Select); the canonical splice donor site of the intron after coding-DNA position 1212, G replaced by C.
Molecular consequence: splice donor variant.
Genome position (GRCh38, 1-based): chr1:12,260,795, G>C. VCF-style: chr1-12260795-G-C. GRCh37 (hg19) VCF-style: chr1-12320852-G-C.
Other names: c.1212+1G>C (NM_018156.4).
Identifiers: ClinVar variation 4687235 (VCV004687235.1).